The following is an entry in ClinVar:

ClinVar aggregate classification (germline): Uncertain significance (1 of 4 stars; one submission).

Conditions:
Inborn genetic diseases. Identifiers: MedGen C0950123, MeSH D030342.

Submission:

Ambry Genetics
Classification: Uncertain significance for Inborn genetic diseases. Last evaluated: 2025-08-22. Review status: criteria provided, single submitter. Criteria: Ambry Variant Classification Scheme 2023. Collection method: clinical testing. Allele origin: germline.
Comment: The p.M175T variant (also known as c.524T>C), located in coding exon 4 of the HAX1 gene, results from a T to C substitution at nucleotide position 524. The methionine at codon 175 is replaced by threonine, an amino acid with similar properties. This amino acid position is conserved. In addition, this alteration is predicted to be tolerated by in silico analysis. Based on the available evidence, the clinical significance of this variant remains unclear.

NM_006118.4(HAX1):c.524T>C (p.Met175Thr)

Gene: HAX1 (HCLS1 associated protein X-1; plus strand). Cytogenetic location: 1q21.3.
Variant type: single nucleotide variant.
Coding change: c.524T>C on transcript NM_006118.4 (MANE Select); coding-DNA position 524, T replaced by C.
Protein change: p.Met175Thr; replaces methionine 175 with threonine.
Molecular consequence: missense variant.
Genome position (GRCh38, 1-based): chr1:154,274,969, T>C. VCF-style: chr1-154274969-T-C. GRCh37 (hg19) VCF-style: chr1-154247445-T-C.
Other names: c.380T>C, p.Met127Thr (NM_001018837.2); short protein forms M127T, M175T.
Identifiers: ClinVar variation 4269050 (VCV004269050.1).